The following is an entry in ClinVar:

ClinVar aggregate classification (germline): Uncertain significance (1 of 4 stars; one submission).

Allele frequency attached by ClinVar (database versions not stated): gnomAD exomes below 0.00001.
gnomAD v4.1: 4 of 1,610,534 alleles (0.00025%); highest among the groups gnomAD compares: Non-Finnish European, 0.00034%; no homozygotes.

Submission:

Labcorp Genetics (formerly Invitae), Labcorp
Classification: Uncertain significance. Last evaluated: 2023-08-25. Review status: criteria provided, single submitter. Criteria: Invitae Variant Classification Sherloc (09022015). Collection method: clinical testing. Allele origin: germline.
Comment: In summary, the available evidence is currently insufficient to determine the role of this variant in disease. Therefore, it has been classified as a Variant of Uncertain Significance. An algorithm developed to predict the effect of missense changes on protein structure and function (PolyPhen-2) suggests that this variant is likely to be tolerated. This variant has not been reported in the literature in individuals affected with TAOK2-related conditions. This variant is not present in population databases (gnomAD no frequency). This sequence change replaces threonine, which is neutral and polar, with isoleucine, which is neutral and non-polar, at codon 706 of the TAOK2 protein (p.Thr706Ile).

NM_016151.4(TAOK2):c.2117C>T (p.Thr706Ile)

Gene: TAOK2 (TAO kinase 2; plus strand). Cytogenetic location: 16p11.2.
Variant type: single nucleotide variant.
Coding change: c.2117C>T on transcript NM_016151.4 (MANE Select); coding-DNA position 2117, C replaced by T.
Protein change: p.Thr706Ile; replaces threonine 706 with isoleucine.
Molecular consequence: missense variant.
Genome position (GRCh38, 1-based): chr16:29,986,389, C>T. VCF-style: chr16-29986389-C-T. GRCh37 (hg19) VCF-style: chr16-29997710-C-T.
Other names: c.2117C>T, p.Thr706Ile (NM_004783.4, NM_001252043.2); short protein forms T706I.
Identifiers: ClinVar variation 2982753 (VCV002982753.3), dbSNP rs1458122828, ClinGen allele CA395489085.